The following is an entry in ClinVar:

ClinVar aggregate classification (germline): Uncertain significance (1 of 4 stars; one submission).

Conditions:
Diffuse cerebral and cerebellar atrophy - intractable seizures - progressive microcephaly syndrome. Also called: Microcephaly, progressive, with seizures and cerebral and cerebellar atrophy. Identifiers: Orphanet 404437, MedGen C4014239, MONDO:0014335, OMIM 615760.

Submission:

Labcorp Genetics (formerly Invitae), Labcorp
Classification: Uncertain significance for Diffuse cerebral and cerebellar atrophy - intractable seizures - progressive microcephaly syndrome. Last evaluated: 2021-08-22. Review status: criteria provided, single submitter. Criteria: Invitae Variant Classification Sherloc (09022015). Collection method: clinical testing. Allele origin: germline.
Comment: In summary, the available evidence is currently insufficient to determine the role of this variant in disease. Therefore, it has been classified as a Variant of Uncertain Significance. Algorithms developed to predict the effect of missense changes on protein structure and function (SIFT, PolyPhen-2, Align-GVGD) all suggest that this variant is likely to be disruptive. This sequence change replaces glycine with alanine at codon 656 of the QARS protein (p.Gly656Ala). The glycine residue is highly conserved and there is a small physicochemical difference between glycine and alanine. This variant is not present in population databases (ExAC no frequency). This variant has not been reported in the literature in individuals affected with QARS-related conditions.

NM_005051.3(QARS1):c.1967G>C (p.Gly656Ala)

Gene: QARS1 (glutaminyl-tRNA synthetase 1; minus strand). Cytogenetic location: 3p21.31.
Variant type: single nucleotide variant.
Coding change: c.1967G>C on transcript NM_005051.3 (MANE Select); coding-DNA position 1967, G replaced by C.
Protein change: p.Gly656Ala; replaces glycine 656 with alanine.
Molecular consequence: missense variant. On other transcripts: non-coding transcript variant (1).
Genome position (GRCh38, 1-based): chr3:49,098,470, C>G on the plus strand (G>C on the coding strand, the complement: QARS1 is on the minus strand). VCF-style: chr3-49098470-C-G. GRCh37 (hg19) VCF-style: chr3-49135903-C-G.
Other names: c.1934G>C, p.Gly645Ala (NM_001272073.2); short protein forms G645A, G656A.
Identifiers: ClinVar variation 1376903 (VCV001376903.6), dbSNP rs1298749529, ClinGen allele CA352699641.